The following is an entry in ClinVar:

NM_025179.4(PLXNA2):c.3158C>T (p.Ala1053Val)

Gene: PLXNA2 (plexin A2; minus strand). Cytogenetic location: 1q32.2.
Variant type: single nucleotide variant.
Coding change: c.3158C>T on transcript NM_025179.4 (MANE Select); coding-DNA position 3158, C replaced by T.
Protein change: p.Ala1053Val; replaces alanine 1053 with valine.
Molecular consequence: missense variant.
Genome position (GRCh38, 1-based): chr1:208,051,259, G>A on the plus strand (C>T on the coding strand, the complement: PLXNA2 is on the minus strand). VCF-style: chr1-208051259-G-A. GRCh37 (hg19) VCF-style: chr1-208224604-G-A.
Other names: short protein forms A1053V.
Identifiers: ClinVar variation 3355867 (VCV003355867.1).
Genomic context (GRCh38, chr1:208,051,259, plus strand): 5'-GCTGCAGGGATCATGCTGGGTGGCTTCCAGGTGCATCCCTCCCACCTTCCACCTCACCTG[G>A]CAATGCTCCACTCTGGCTCGATGCGCTGGACCCGAGGGTCATCTATGTACTCAAACTGCA-3'
Protein context (NP_079455.3, residues 1043-1063): VQRIEPEWSI[Ala1053Val]SGHTPLTITG

ClinVar aggregate classification (germline): Uncertain significance (0 of 4 stars; one submission).

Conditions:
PLXNA2-related disorder. Also called: PLXNA2-related condition.

Submission:

PreventionGenetics, part of Exact Sciences
Classification: Uncertain significance for PLXNA2-related condition. Last evaluated: 2024-05-16. Review status: no assertion criteria provided. Collection method: clinical testing. Allele origin: germline.
Comment: The PLXNA2 c.3158C>T variant is predicted to result in the amino acid substitution p.Ala1053Val. To our knowledge, this variant has not been reported in the literature. This variant is reported in 0.0029% of alleles in individuals of Latino descent in gnomAD. At this time, the clinical significance of this variant is uncertain due to the absence of conclusive functional and genetic evidence.